The following is an entry in ClinVar:

NM_014236.4(GNPAT):c.1678G>A (p.Glu560Lys)

Gene: GNPAT (glyceronephosphate O-acyltransferase; plus strand). Cytogenetic location: 1q42.2.
Variant type: single nucleotide variant.
Coding change: c.1678G>A on transcript NM_014236.4 (MANE Select); coding-DNA position 1678, G replaced by A.
Protein change: p.Glu560Lys; replaces glutamic acid 560 with lysine.
Molecular consequence: missense variant.
Genome position (GRCh38, 1-based): chr1:231,273,997, G>A. VCF-style: chr1-231273997-G-A. GRCh37 (hg19) VCF-style: chr1-231409743-G-A.
Other names: c.1495G>A, p.Glu499Lys (NM_001316350.2); short protein forms E499K, E560K.
Identifiers: ClinVar variation 874170 (VCV000874170.11), dbSNP rs1685639021, ClinGen allele CA345239337.

ClinVar aggregate classification (germline): Uncertain significance. Review status: criteria provided, multiple submitters, no conflicts (2 of 4 stars). 2 submissions from 2 submitters: Uncertain significance (2). Last evaluated 2024-10-24.

Conditions:
Rhizomelic chondrodysplasia punctata type 2 (RCDP2). Also called: glyceronephosphate O-acyltransferase (GNPAT) deficiency; Glyceronephosphate O-acyltransferase deficiency; PEROXISOMAL DIHYDROXYACETONEPHOSPHATE ACYLTRANSFERASE DEFICIENCY; Chondrodysplasia punctata, rhizomelic, due to dihydroxyacetonephosphate acyltransferase deficiency; DHAPAT DEFICIENCY; DIHYDROXYACETONEPHOSPHATE ACYLTRANSFERASE DEFICIENCY. Identifiers: Orphanet 177, Orphanet 309796, MedGen C1857242, MONDO:0100273, OMIM 222765. Disease mechanism: loss of function.

Allele frequency attached by ClinVar (database versions not stated): gnomAD exomes below 0.00001; TOPMed below 0.00001.
gnomAD v4.1: 2 of 1,611,350 alleles (0.00012%); highest among the groups gnomAD compares: Non-Finnish European, 0.00017%; no homozygotes.

Submissions (2):

Labcorp Genetics (formerly Invitae), Labcorp
Classification: Uncertain significance. Last evaluated: 2024-10-24. Review status: criteria provided, single submitter. Criteria: Invitae Variant Classification Sherloc (09022015). Collection method: clinical testing. Allele origin: germline.
Comment: This sequence change replaces glutamic acid, which is acidic and polar, with lysine, which is basic and polar, at codon 560 of the GNPAT protein (p.Glu560Lys). This variant is not present in population databases (gnomAD no frequency). This variant has not been reported in the literature in individuals affected with GNPAT-related conditions. ClinVar contains an entry for this variant (Variation ID: 874170). Invitae Evidence Modeling of protein sequence and biophysical properties (such as structural, functional, and spatial information, amino acid conservation, physicochemical variation, residue mobility, and thermodynamic stability) indicates that this missense variant is not expected to disrupt GNPAT protein function with a negative predictive value of 80%. In summary, the available evidence is currently insufficient to determine the role of this variant in disease. Therefore, it has been classified as a Variant of Uncertain Significance.

Illumina Laboratory Services, Illumina
Classification: Uncertain significance for Rhizomelic chondrodysplasia punctata type 2. Last evaluated: 2018-01-13. Review status: criteria provided, single submitter. Criteria: ICSL Variant Classification Criteria 13 December 2019. Collection method: clinical testing. Allele origin: germline.